The following is an entry in ClinVar:

ClinVar aggregate classification (germline): Uncertain significance (1 of 4 stars; one submission).

Allele frequency attached by ClinVar (database versions not stated): gnomAD exomes below 0.00001.
gnomAD v4.1: 2 of 1,535,226 alleles (0.00013%); highest among the groups gnomAD compares: Non-Finnish European, 0.00017%; no homozygotes.

Submission:

Labcorp Genetics (formerly Invitae), Labcorp
Classification: Uncertain significance. Last evaluated: 2024-10-22. Review status: criteria provided, single submitter. Criteria: Invitae Variant Classification Sherloc (09022015). Collection method: clinical testing. Allele origin: germline.
Comment: This sequence change replaces arginine, which is basic and polar, with glutamine, which is neutral and polar, at codon 806 of the CACNA1B protein (p.Arg806Gln). This variant is not present in population databases (gnomAD no frequency). This variant has not been reported in the literature in individuals affected with CACNA1B-related conditions. ClinVar contains an entry for this variant (Variation ID: 1956082). Invitae Evidence Modeling of protein sequence and biophysical properties (such as structural, functional, and spatial information, amino acid conservation, physicochemical variation, residue mobility, and thermodynamic stability) indicates that this missense variant is not expected to disrupt CACNA1B protein function with a negative predictive value of 80%. In summary, the available evidence is currently insufficient to determine the role of this variant in disease. Therefore, it has been classified as a Variant of Uncertain Significance.

NM_000718.4(CACNA1B):c.2417G>A (p.Arg806Gln)

Gene: CACNA1B (calcium voltage-gated channel subunit alpha1 B; plus strand). Cytogenetic location: 9q34.3.
Variant type: single nucleotide variant.
Coding change: c.2417G>A on transcript NM_000718.4 (MANE Select); coding-DNA position 2417, G replaced by A.
Protein change: p.Arg806Gln; replaces arginine 806 with glutamine.
Molecular consequence: missense variant.
Genome position (GRCh38, 1-based): chr9:138,023,160, G>A. VCF-style: chr9-138023160-G-A. GRCh37 (hg19) VCF-style: chr9-140917612-G-A.
Other names: c.2417G>A, p.Arg806Gln (NM_001243812.2); short protein forms R806Q.
Identifiers: ClinVar variation 1956082 (VCV001956082.5), dbSNP rs890458453, ClinGen allele CA201830230.